The following is an entry in ClinVar:

ClinVar aggregate classification (germline): Likely benign. Review status: criteria provided, multiple submitters, no conflicts (2 of 4 stars). 3 submissions from 3 submitters: Likely benign (3). Last evaluated 2024-03-15.

Conditions:
Hereditary breast ovarian cancer syndrome. Also called: BRCA1- and BRCA2-Associated Hereditary Breast and Ovarian Cancer; Hereditary breast and ovarian cancer syndrome (HBOC); Hereditary breast and ovarian cancer syndrome; Breast and ovarian cancer; Hereditary breast and ovarian cancer; Hereditary breast and/or ovarian cancer syndrome. Identifiers: Orphanet 145, MedGen C0677776, MeSH D061325, MONDO:0003582. Disease mechanism: loss of function.
Hereditary cancer-predisposing syndrome. Also called: Hereditary Cancer Syndrome; Hereditary neoplastic syndrome; Neoplastic Syndromes, Hereditary; Tumor predisposition. Identifiers: Orphanet 140162, MedGen C0027672, MeSH D009386, MONDO:0015356.
Breast-ovarian cancer, familial, susceptibility to, 1 (BROVCA1). Also called: OVARIAN CANCER, SUSCEPTIBILITY TO; BRCA1 Hereditary Breast and Ovarian Cancer. Identifiers: Orphanet 145, MedGen C2676676, MONDO:0011450, OMIM 604370. Disease mechanism: loss of function.

Allele frequency attached by ClinVar (database versions not stated): gnomAD exomes below 0.00001.

Submissions (3):

Labcorp Genetics (formerly Invitae), Labcorp
Classification: Likely benign for Hereditary breast ovarian cancer syndrome. Last evaluated: 2024-03-15. Review status: criteria provided, single submitter. Criteria: Invitae Variant Classification Sherloc (09022015). Collection method: clinical testing. Allele origin: germline.

All of Us Research Program, National Institutes of Health
Classification: Likely benign for Breast-ovarian cancer, familial, susceptibility to, 1. Last evaluated: 2023-09-04. Review status: criteria provided, single submitter. Criteria: ACMG Guidelines, 2015. Collection method: clinical testing. Allele origin: germline. Inheritance: Autosomal dominant inheritance. Observed: 1 variant allele, 1 heterozygote.
Comment: This study involves interpretation of variants in research participants for the purpose of population health screening. Participant phenotype was not available at the time of variant classification. Additional details can be found in publication PMID: 35346344, PMCID: PMC8962531

Ambry Genetics
Classification: Likely benign for Hereditary cancer-predisposing syndrome. Last evaluated: 2020-01-16. Review status: criteria provided, single submitter. Criteria: Ambry Variant Classification Scheme 2023. Collection method: clinical testing. Allele origin: germline.

NM_007294.4(BRCA1):c.2661C>G (p.Ala887=)

Gene: BRCA1 (BRCA1 DNA repair associated; minus strand). Cytogenetic location: 17q21.31.
Variant type: single nucleotide variant.
Coding change: c.2661C>G on transcript NM_007294.4 (MANE Select); coding-DNA position 2661, C replaced by G.
Protein change: p.Ala887=; no amino-acid change (alanine 887 retained).
Molecular consequence: synonymous variant. On other transcripts: intron variant (137).
Genome position (GRCh38, 1-based): chr17:43,092,870, G>C on the plus strand (C>G on the coding strand, the complement: BRCA1 is on the minus strand). VCF-style: chr17-43092870-G-C. GRCh37 (hg19) VCF-style: chr17-41244887-G-C.
Other names: c.2520C>G, p.Ala840= (NM_001407733.1, NM_001407734.1, NM_001407735.1 and 29 more transcripts); c.2517C>G, p.Ala839= (NM_001407740.1, NM_001407741.1, NM_001407742.1 and 20 more transcripts); c.2448C>G, p.Ala816= (NM_001407853.1, NM_001407894.1, NM_001407895.1 and 9 more transcripts); c.2661C>G, p.Ala887= (NM_001407854.1, NM_001407858.1, NM_001407859.1 and 30 more transcripts); c.2658C>G, p.Ala886= (NM_001407860.1, NM_001407861.1, NM_001407587.1 and 22 more transcripts); c.2460C>G, p.Ala820= (NM_001407862.1); c.2538C>G, p.Ala846= (NM_001407863.1, NM_001407919.1, NM_001407937.1 and 19 more transcripts); c.2457C>G, p.Ala819= (NM_001407874.1, NM_001407875.1); and 41 more.
Identifiers: ClinVar variation 755936 (VCV000755936.14), dbSNP rs1245146857, ClinGen allele CA500232324.